The following is an entry in ClinVar:

ClinVar aggregate classification (germline): Likely pathogenic (1 of 4 stars; one submission).

Conditions:
Congenital adrenal hyperplasia. Identifiers: Orphanet 418, MedGen C0001627, MONDO:0018479, HP:0008258.

Allele frequency attached by ClinVar (database versions not stated): ExAC 0.00001.

Submission:

Women's Health and Genetics/Laboratory Corporation of America, LabCorp
Classification: Likely pathogenic for Congenital adrenal hyperplasia. Last evaluated: 2024-04-22. Review status: criteria provided, single submitter. Criteria: LabCorp Variant Classification Summary - May 2015. Collection method: clinical testing. Allele origin: germline.
Comment: Variant summary: CYP17A1 c.1063G>A (p.Ala355Thr) results in a non-conservative amino acid change in the encoded protein sequence. Five of five in-silico tools predict a damaging effect of the variant on protein function. The variant allele was found at a frequency of 4e-06 in 251370 control chromosomes. c.1063G>A has been reported in the literature in at-least two individuals affected with Congenital Adrenal Hyperplasia (Rosa_2010, Maheshwari_2022). These data indicate that the variant may be associated with disease . At least one publication reports experimental evidence evaluating an impact on protein function. The most pronounced variant effect results in a complete loss of 17alpha-hydroxylase as well as 17,20-lyase activity in COS1 cells (Rosa_2010).The following publications have been ascertained in the context of this evaluation (PMID: 35178494, 20197673). No submitters have cited clinical-significance assessments for this variant to ClinVar. Based on the evidence outlined above, the variant was classified as likely pathogenic.

Literature cited by the submitters: PubMed 20197673; PubMed 35178494.

NM_000102.4(CYP17A1):c.1063G>A (p.Ala355Thr)

Gene: CYP17A1 (cytochrome P450 family 17 subfamily A member 1; minus strand). Cytogenetic location: 10q24.32.
Variant type: single nucleotide variant.
Coding change: c.1063G>A on transcript NM_000102.4 (MANE Select); coding-DNA position 1063, G replaced by A.
Protein change: p.Ala355Thr; replaces alanine 355 with threonine.
Molecular consequence: missense variant.
Genome position (GRCh38, 1-based): chr10:102,832,587, C>T on the plus strand (G>A on the coding strand, the complement: CYP17A1 is on the minus strand). VCF-style: chr10-102832587-C-T. GRCh37 (hg19) VCF-style: chr10-104592344-C-T.
Other names: short protein forms A355T.
Identifiers: ClinVar variation 3251818 (VCV003251818.1), dbSNP rs751960113.